The following is an entry in ClinVar:

NM_000038.6(APC):c.954G>A (p.Leu318=)

Gene: APC (APC regulator of Wnt signaling pathway; plus strand). Cytogenetic location: 5q22.2.
Variant type: single nucleotide variant.
Coding change: c.954G>A on transcript NM_000038.6 (MANE Select); coding-DNA position 954, G replaced by A.
Protein change: p.Leu318=; no amino-acid change (leucine 318 retained).
Molecular consequence: synonymous variant. On other transcripts: non-coding transcript variant (2), intron variant (15).
Genome position (GRCh38, 1-based): chr5:112,818,986, G>A. VCF-style: chr5-112818986-G-A. GRCh37 (hg19) VCF-style: chr5-112154683-G-A.
Other names: c.954G>A, p.Leu318= (NM_001127510.3, NM_001354895.2, NM_001354896.2 and 4 more transcripts); c.900G>A, p.Leu300= (NM_001127511.3); c.984G>A, p.Leu328= (NM_001354897.2, NM_001407446.1); c.879G>A, p.Leu293= (NM_001354898.2, NM_001407451.1); c.870G>A, p.Leu290= (NM_001354899.2, NM_001407452.1); c.777G>A, p.Leu259= (NM_001354900.2, NM_001354901.2, NM_001407453.1); c.105G>A, p.Leu35= (NM_001354906.2, NM_001407470.1); c.85-283G>A (NM_001407472.1, NM_001407471.1); and 5 more.
Identifiers: ClinVar variation 1767347 (VCV001767347.3), dbSNP rs2149778917, ClinGen allele CA445755752.

ClinVar aggregate classification (germline): Likely benign. Review status: criteria provided, multiple submitters, no conflicts (2 of 4 stars). 2 submissions from 2 submitters: Likely benign (2). Last evaluated 2023-09-17.

Conditions:
Classic or attenuated familial adenomatous polyposis. Identifiers: MedGen CN372698, MONDO:0021057.
Hereditary cancer-predisposing syndrome. Also called: Hereditary Cancer Syndrome; Hereditary neoplastic syndrome; Neoplastic Syndromes, Hereditary; Tumor predisposition. Identifiers: Orphanet 140162, MedGen C0027672, MeSH D009386, MONDO:0015356.

Submissions (2):

All of Us Research Program, National Institutes of Health
Classification: Likely benign for Classic or attenuated familial adenomatous polyposis. Last evaluated: 2023-09-17. Review status: criteria provided, single submitter. Criteria: ACMG Guidelines, 2015. Collection method: clinical testing. Allele origin: germline. Inheritance: Autosomal dominant inheritance. Observed: 1 variant allele, 1 heterozygote.
Comment: This study involves interpretation of variants in research participants for the purpose of population health screening. Participant phenotype was not available at the time of variant classification. Additional details can be found in publication PMID: 35346344, PMCID: PMC8962531

Ambry Genetics
Classification: Likely benign for Hereditary cancer-predisposing syndrome. Last evaluated: 2022-08-03. Review status: criteria provided, single submitter. Criteria: Ambry Variant Classification Scheme 2023. Collection method: clinical testing. Allele origin: germline.